The following is an entry in ClinVar:

ClinVar aggregate classification (germline): Benign (1 of 4 stars; one submission).

Conditions:
Hypomyelination and Congenital Cataract (HLD5). Also called: hypomyelinating leukodystrophy 5. Identifiers: Orphanet 85163, MedGen C1864663, MONDO:0012514, OMIM 610532.

Allele frequency attached by ClinVar (database versions not stated): gnomAD 0.38892 and 0.39217; gnomAD exomes 0.38981; TOPMed 0.39550; 1000 Genomes Project 30x 0.42161; 1000 Genomes Project 0.43011.
gnomAD v4.1: 81,282 of 207,616 alleles (39%); highest among the groups gnomAD compares: East Asian, 51%; 16,275 homozygotes.

Submission:

Illumina Laboratory Services, Illumina
Classification: Benign for Hypomyelination and Congenital Cataract. Last evaluated: 2018-01-13. Review status: criteria provided, single submitter. Criteria: ICSL Variant Classification Criteria 13 December 2019. Collection method: clinical testing. Allele origin: germline.
Comment: This variant was observed in the ICSL laboratory as part of a predisposition screen in an ostensibly healthy population. It had not been previously curated by ICSL or reported in the Human Gene Mutation Database (HGMD: prior to June 1st, 2018), and was therefore a candidate for classification through an automated scoring system. Utilizing variant allele frequency, disease prevalence and penetrance estimates, and inheritance mode, an automated score was calculated to assess if this variant is too frequent to cause the disease. Based on the score and internal cut-off values, a variant classified as benign is not then subjected to further curation. The score for this variant resulted in a classification of benign for this disease.

NM_032581.4(HYCC1):c.*436T>G

Gene: HYCC1 (hyccin PI4KA lipid kinase complex subunit 1; minus strand). Cytogenetic location: 7p15.3.
Variant type: single nucleotide variant.
Coding change: c.*436T>G on transcript NM_032581.4 (MANE Select); 436 bases downstream of the stop codon, T replaced by G.
Molecular consequence: 3 prime UTR variant.
Genome position (GRCh38, 1-based): chr7:22,945,153, A>C on the plus strand (T>G on the coding strand, the complement: HYCC1 is on the minus strand). VCF-style: chr7-22945153-A-C. GRCh37 (hg19) VCF-style: chr7-22984772-A-C.
Other names: c.*1038T>G (NM_001363466.2); c.*996T>G (NM_001363467.2).
Identifiers: ClinVar variation 359757 (VCV000359757.5), dbSNP rs10085448, ClinGen allele CA10628928.